The following is an entry in ClinVar:

NM_001846.4(COL4A2):c.3571G>A (p.Gly1191Arg)

Gene: COL4A2 (collagen type IV alpha 2 chain; plus strand). Cytogenetic location: 13q34.
Variant type: single nucleotide variant.
Coding change: c.3571G>A on transcript NM_001846.4 (MANE Select); coding-DNA position 3571, G replaced by A.
Protein change: p.Gly1191Arg; replaces glycine 1191 with arginine.
Molecular consequence: missense variant.
Genome position (GRCh38, 1-based): chr13:110,493,219, G>A. VCF-style: chr13-110493219-G-A. GRCh37 (hg19) VCF-style: chr13-111145566-G-A.
Other names: short protein forms G1191R.
Identifiers: ClinVar variation 1315644 (VCV001315644.4), dbSNP rs2139538715, ClinGen allele CA388732838.

ClinVar aggregate classification (germline): Likely pathogenic (1 of 4 stars; one submission).

Submission:

GeneDx
Classification: Likely pathogenic. Last evaluated: 2025-05-13. Review status: criteria provided, single submitter. Criteria: GeneDx Variant Classification Process June 2021. Collection method: clinical testing. Allele origin: germline. Affected: yes.
Comment: Has not been previously published as pathogenic or benign to our knowledge; Not observed at significant frequency in large population cohorts (gnomAD); In silico analysis supports that this missense variant has a deleterious effect on protein structure/function; Affects a glycine residue in a Gly-X-Y motif in the triple helical region of the COL4A2 gene, where the majority of pathogenic missense variants occur, and is predicted to disrupt normal protein folding and function (PMIDs 22522439, 23225343; HGMD); This variant is associated with the following publications: (PMID: 22522439, 23225343)